The following is an entry in ClinVar:

NM_003482.4(KMT2D):c.14716C>T (p.Leu4906Phe)

Gene: KMT2D (lysine methyltransferase 2D; minus strand). Cytogenetic location: 12q13.12.
Variant type: single nucleotide variant.
Coding change: c.14716C>T on transcript NM_003482.4 (MANE Select); coding-DNA position 14716, C replaced by T.
Protein change: p.Leu4906Phe; replaces leucine 4906 with phenylalanine.
Molecular consequence: missense variant.
Genome position (GRCh38, 1-based): chr12:49,027,250, G>A on the plus strand (C>T on the coding strand, the complement: KMT2D is on the minus strand). VCF-style: chr12-49027250-G-A. GRCh37 (hg19) VCF-style: chr12-49421033-G-A.
Other names: short protein forms L4906F.
Identifiers: ClinVar variation 4770905 (VCV004770905.1).

ClinVar aggregate classification (germline): Uncertain significance (1 of 4 stars; one submission).

Conditions:
Kabuki syndrome. Also called: NIIKAWA-KUROKI SYNDROME; Kabuki make-up syndrome. Identifiers: Orphanet 2322, MedGen C0796004, MONDO:0016512.

Submission:

Labcorp Genetics (formerly Invitae), Labcorp
Classification: Uncertain significance for Kabuki syndrome. Last evaluated: 2025-10-19. Review status: criteria provided, single submitter. Criteria: Invitae Variant Classification Sherloc (09022015). Collection method: clinical testing. Allele origin: germline.
Comment: This sequence change replaces leucine, which is neutral and non-polar, with phenylalanine, which is neutral and non-polar, at codon 4906 of the KMT2D protein (p.Leu4906Phe). This variant is not present in population databases (gnomAD no frequency). This variant has not been reported in the literature in individuals affected with KMT2D-related conditions. Invitae Evidence Modeling of protein sequence and biophysical properties (such as structural, functional, and spatial information, amino acid conservation, physicochemical variation, residue mobility, and thermodynamic stability) indicates that this missense variant is expected to disrupt KMT2D protein function with a positive predictive value of 95%. In summary, the available evidence is currently insufficient to determine the role of this variant in disease. Therefore, it has been classified as a Variant of Uncertain Significance.